The following is an entry in ClinVar:

NM_002691.4(POLD1):c.1329G>A (p.Arg443=)

Gene: POLD1 (DNA polymerase delta 1, catalytic subunit; plus strand). Cytogenetic location: 19q13.33.
Variant type: single nucleotide variant.
Coding change: c.1329G>A on transcript NM_002691.4 (MANE Select); coding-DNA position 1329, G replaced by A.
Protein change: p.Arg443=; no amino-acid change (arginine 443 retained).
Molecular consequence: synonymous variant. On other transcripts: non-coding transcript variant (1).
Genome position (GRCh38, 1-based): chr19:50,406,268, G>A. VCF-style: chr19-50406268-G-A. GRCh37 (hg19) VCF-style: chr19-50909525-G-A.
Other names: c.1329G>A, p.Arg443= (NM_001256849.1, NM_001308632.1).
Identifiers: ClinVar variation 1770082 (VCV001770082.3), dbSNP rs2122319463, ClinGen allele CA508304720.

ClinVar aggregate classification (germline): Benign/Likely benign. Review status: criteria provided, multiple submitters, no conflicts (2 of 4 stars). 2 submissions from 2 submitters: Benign (1); Likely benign (1). Last evaluated 2025-02-06.

Conditions:
POLD1-related polyposis and colorectal cancer syndrome (CRCS10). Also called: COLORECTAL CANCER, SUSCEPTIBILITY TO, ON CHROMOSOME 19q; Colorectal cancer 10; Colorectal cancer, susceptibility to, 10. Identifiers: Orphanet 220460, MedGen C2675481, MONDO:0012953, OMIM 612591.
Hereditary cancer-predisposing syndrome. Also called: Neoplastic Syndromes, Hereditary; Tumor predisposition; Hereditary neoplastic syndrome; Hereditary Cancer Syndrome. Identifiers: Orphanet 140162, MedGen C0027672, MeSH D009386, MONDO:0015356.

Submissions (2):

Myriad Genetics, Inc.
Classification: Benign for POLD1-related polyposis and colorectal cancer syndrome. Last evaluated: 2025-02-06. Review status: criteria provided, single submitter. Criteria: Myriad Autosomal Dominant, Autosomal Recessive and X-Linked Classification Criteria (2023). Collection method: clinical testing. Allele origin: unknown.
Comment: This variant is considered benign. This variant is a silent/synonymous amino acid change and it is not expected to impact splicing.

Ambry Genetics
Classification: Likely benign for Hereditary cancer-predisposing syndrome. Last evaluated: 2019-09-22. Review status: criteria provided, single submitter. Criteria: Ambry Variant Classification Scheme 2023. Collection method: clinical testing. Allele origin: germline.